The following is an entry in ClinVar:

ClinVar aggregate classification (germline): Likely benign. Review status: criteria provided, multiple submitters, no conflicts (2 of 4 stars). 3 submissions from 3 submitters: Likely benign (3). Last evaluated 2025-10-02.

Conditions:
Familial hypobetalipoproteinemia 1. Also called: Hypobetalipoproteinemia, normotriglyceridemic; Acanthocytosis with hypobetalipoproteinemia; APOB-Related Familial Hypobetalipoproteinemia. Identifiers: MedGen C4551990, MONDO:0014252, OMIM 615558.
Hypercholesterolemia, autosomal dominant, type B (FHCL2). Also called: Familial Hypercholesterolemia Type B; Familial hypercholesterolemia 2; Hyperlipoproteinemia Type IIb; HYPERCHOLESTEROLEMIA, FAMILIAL, DUE TO LIGAND-DEFECTIVE APOLIPOPROTEIN B; APOLIPOPROTEIN B-100, FAMILIAL DEFECTIVE; APOLIPOPROTEIN B-100, FAMILIAL LIGAND-DEFECTIVE. Identifiers: MedGen C1704417, MONDO:0007751, OMIM 144010.
Familial hypercholesterolemia. Also called: Familial hypercholesterolemias; Familial hypercholesterolaemia. Identifiers: MedGen C0020445, MONDO:0005439.

Allele frequency attached by ClinVar (database versions not stated): TOPMed below 0.00001; gnomAD 0.00001 and 0.00004; gnomAD exomes 0.00004 and 0.00009; ExAC 0.00007.
gnomAD v4.1: 62 of 1,613,840 alleles (0.0038%); highest among the groups gnomAD compares: South Asian, 0.065%; no homozygotes.

Submissions (3):

GENinCode PLC
Classification: Likely benign for Familial hypercholesterolemia. Last evaluated: 2025-10-02. Review status: criteria provided, single submitter. Criteria: ACMG Guidelines, 2015. Collection method: clinical testing. Allele origin: germline.
Comment: This is a synonymous (silent) variant that is not predicted to impact splicing and occurs at a nucleotide which is not highly conserved. This variant has been classified as Likely Benign (BP4, BP7).

Blueprint Genetics
Classification: Likely benign. Last evaluated: 2023-06-16. Review status: criteria provided, single submitter. Criteria: ACMG Guidelines, 2015. Collection method: clinical testing. Allele origin: germline.

Labcorp Genetics (formerly Invitae), Labcorp
Classification: Likely benign for Familial hypobetalipoproteinemia 1; Hypercholesterolemia, autosomal dominant, type B. Last evaluated: 2020-08-25. Review status: criteria provided, single submitter. Criteria: Invitae Variant Classification Sherloc (09022015). Collection method: clinical testing. Allele origin: germline.

NM_000384.3(APOB):c.11013C>T (p.Phe3671=)

Gene: APOB (apolipoprotein B; minus strand). Cytogenetic location: 2p24.1.
Variant type: single nucleotide variant.
Coding change: c.11013C>T on transcript NM_000384.3 (MANE Select); coding-DNA position 11013, C replaced by T.
Protein change: p.Phe3671=; no amino-acid change (phenylalanine 3671 retained).
Molecular consequence: synonymous variant.
Genome position (GRCh38, 1-based): chr2:21,005,855, G>A on the plus strand (C>T on the coding strand, the complement: APOB is on the minus strand). VCF-style: chr2-21005855-G-A. GRCh37 (hg19) VCF-style: chr2-21228727-G-A.
Identifiers: ClinVar variation 924746 (VCV000924746.9), dbSNP rs776329252, ClinGen allele CA045351.
Genomic context (GRCh38, chr2:21,005,855, plus strand): 5'-ATCCAGCTTTAGGAAATCCCATAAGCTCTTGTCATAGACTGGTAGGATGATATTTTTGAG[G>A]AACCTTAGGTGTCCTTCTAAGGATCCTGCAATGTCAAGGTGTGCCTTTTCTTGGTCATTG-3'
Protein context (NP_000375.3, residues 3661-3681): IAGSLEGHLR[Phe3671=]LKNIILPVYD